The following is an entry in ClinVar:

NM_000393.5(COL5A2):c.32T>G (p.Leu11Arg)

Gene: COL5A2 (collagen type V alpha 2 chain; minus strand). Cytogenetic location: 2q32.2.
Variant type: single nucleotide variant.
Coding change: c.32T>G on transcript NM_000393.5 (MANE Select); coding-DNA position 32, T replaced by G.
Protein change: p.Leu11Arg; replaces leucine 11 with arginine.
Molecular consequence: missense variant.
Genome position (GRCh38, 1-based): chr2:189,179,573, A>C on the plus strand (T>G on the coding strand, the complement: COL5A2 is on the minus strand). VCF-style: chr2-189179573-A-C. GRCh37 (hg19) VCF-style: chr2-190044299-A-C.
Other names: short protein forms L11R.
Identifiers: ClinVar variation 3495601 (VCV003495601.1).
Genomic context (GRCh38, chr2:189,179,573, plus strand): 5'-TCGTCTTCTTCCTGGGCTTTTATTGAGACAAATTGCCCTAATAAAACAATAAGAATGAGG[A>C]GAGGTCTTGCTTCCGCCCAGTTTGCCATCATGTCTAAATATTAGACATGTGGGTTCTCCT-3'
Protein context (NP_000384.2, residues 1-21): MMANWAEARP[Leu11Arg]LILIVLLGQF

ClinVar aggregate classification (germline): Uncertain significance (1 of 4 stars; one submission).

Conditions:
Familial thoracic aortic aneurysm and aortic dissection (TAAD). Also called: Thoracic aortic aneurysms and dissections. Identifiers: Orphanet 91387, MedGen C4707243, MONDO:0019625.

Submission:

Ambry Genetics
Classification: Uncertain significance for Familial thoracic aortic aneurysm and aortic dissection. Last evaluated: 2024-11-13. Review status: criteria provided, single submitter. Criteria: Ambry Variant Classification Scheme 2023. Collection method: clinical testing. Allele origin: germline.
Comment: The p.L11R variant (also known as c.32T>G), located in coding exon 1 of the COL5A2 gene, results from a T to G substitution at nucleotide position 32. The leucine at codon 11 is replaced by arginine, an amino acid with dissimilar properties. This amino acid position is well conserved in available vertebrate species. In addition, this alteration is predicted to be deleterious by in silico analysis. Based on the available evidence, the clinical significance of this variant remains unclear.